The following is an entry in ClinVar:

ClinVar aggregate classification (germline): Uncertain significance (1 of 4 stars; one submission).

Conditions:
Emery-Dreifuss muscular dystrophy 4, autosomal dominant (EDMD4). Also called: EMERY-DREIFUSS MUSCULAR DYSTROPHY 4 WITH VARIABLE FEATURES. Identifiers: Orphanet 261, MedGen C2751807, MONDO:0013071, OMIM 612998.
Autosomal recessive ataxia, Beauce type. Also called: SYNE1 Deficiency; Spinocerebellar ataxia, autosomal recessive 8; ATAXIA, RECESSIVE, OF BEAUCE; SYNE1-Related Autosomal Recessive Cerebellar Ataxia. Identifiers: Orphanet 88644, MedGen C1853116, MONDO:0012549, OMIM 610743.

gnomAD v4.1: 11 of 1,614,200 alleles (0.00068%); highest among the groups gnomAD compares: South Asian, 0.0011%; no homozygotes.

Submission:

Labcorp Genetics (formerly Invitae), Labcorp
Classification: Uncertain significance for Emery-Dreifuss muscular dystrophy 4, autosomal dominant; Autosomal recessive ataxia, Beauce type. Last evaluated: 2024-08-02. Review status: criteria provided, single submitter. Criteria: Invitae Variant Classification Sherloc (09022015). Collection method: clinical testing. Allele origin: germline.
Comment: This sequence change replaces tyrosine, which is neutral and polar, with cysteine, which is neutral and slightly polar, at codon 3211 of the SYNE1 protein (p.Tyr3211Cys). This variant is present in population databases (rs756236132, gnomAD 0.01%). This variant has not been reported in the literature in individuals affected with SYNE1-related conditions. An algorithm developed to predict the effect of missense changes on protein structure and function (PolyPhen-2) suggests that this variant¬¨‚Ä†is likely to be tolerated. In summary, the available evidence is currently insufficient to determine the role of this variant in disease. Therefore, it has been classified as a Variant of Uncertain Significance.

NM_182961.4(SYNE1):c.9611A>G (p.Tyr3204Cys)

Gene: SYNE1 (spectrin repeat containing nuclear envelope protein 1; minus strand). Cytogenetic location: 6q25.2.
Variant type: single nucleotide variant.
Coding change: c.9611A>G on transcript NM_182961.4 (MANE Select); coding-DNA position 9611, A replaced by G.
Protein change: p.Tyr3204Cys; replaces tyrosine 3204 with cysteine.
Molecular consequence: missense variant.
Genome position (GRCh38, 1-based): chr6:152,369,511, T>C on the plus strand (A>G on the coding strand, the complement: SYNE1 is on the minus strand). VCF-style: chr6-152369511-T-C. GRCh37 (hg19) VCF-style: chr6-152690646-T-C.
Other names: c.9632A>G, p.Tyr3211Cys (NM_033071.5); short protein forms Y3204C, Y3211C.
Identifiers: ClinVar variation 3762570 (VCV003762570.1).